The following is an entry in ClinVar:

ClinVar aggregate classification (germline): Uncertain significance (1 of 4 stars; one submission).

Submission:

Dasa
Classification: Uncertain significance. Last evaluated: 2025-11-04. Review status: criteria provided, single submitter. Criteria: DASA Assertion Criteria. Collection method: clinical testing. Allele origin: germline.
Comment: NM_001127392.3(MYRF):c.73C>T (p.Pro25Ser) is a missense variant that results in the substitution of proline with serine. This variant is absent from population databases. The currently available literature and clinical evidence are not sufficient to establish a definitive association between this variant and the reported condition. Therefore, this variant is classified as a variant of uncertain significance.

NM_001127392.3(MYRF):c.73C>T (p.Pro25Ser)

Gene: MYRF (myelin regulatory factor; plus strand). Cytogenetic location: 11q12.2.
Variant type: single nucleotide variant.
Coding change: c.73C>T on transcript NM_001127392.3 (MANE Select); coding-DNA position 73, C replaced by T.
Protein change: p.Pro25Ser; replaces proline 25 with serine.
Molecular consequence: missense variant.
Genome position (GRCh38, 1-based): chr11:61,765,651, C>T. VCF-style: chr11-61765651-C-T. GRCh37 (hg19) VCF-style: chr11-61533123-C-T.
Other names: c.46C>T, p.Pro16Ser (NM_013279.4); short protein forms P16S, P25S.
Identifiers: ClinVar variation 4882614 (VCV004882614.2).